The following is an entry in ClinVar:

ClinVar aggregate classification (germline): Likely pathogenic (1 of 4 stars; one submission).

Conditions:
Cataract 1 multiple types. Also called: CATARACT 1, NUCLEAR PROGRESSIVE; CATARACT 1 WITH MICROCORNEA; CATARACT 1, POSTERIOR SUBCAPSULAR, WITH MICROCORNEA; CATARACT 1, STELLATE NUCLEAR, WITH MICROCORNEA; CATARACT 1, MULTIPLE TYPES, WITH OR WITHOUT MICROCORNEA; CATARACT, DUFFY-LINKED. Identifiers: Orphanet 1377, MedGen C1861828, MONDO:0007285, OMIM 116200.

Submission:

Labcorp Genetics (formerly Invitae), Labcorp
Classification: Likely pathogenic for Cataract 1 multiple types. Last evaluated: 2024-04-22. Review status: criteria provided, single submitter. Criteria: Invitae Variant Classification Sherloc (09022015). Collection method: clinical testing. Allele origin: germline.
Comment: This sequence change replaces proline, which is neutral and non-polar, with arginine, which is basic and polar, at codon 59 of the GJA8 protein (p.Pro59Arg). This variant is not present in population databases (gnomAD no frequency). This missense change has been observed in individual(s) with clinical features of autosomal dominant congenital cataract (Invitae). Advanced modeling of protein sequence and biophysical properties (such as structural, functional, and spatial information, amino acid conservation, physicochemical variation, residue mobility, and thermodynamic stability) performed at Invitae indicates that this missense variant is expected to disrupt GJA8 protein function with a positive predictive value of 95%. This variant disrupts the p.Pro59 amino acid residue in GJA8. Other variant(s) that disrupt this residue have been determined to be pathogenic (Invitae). This suggests that this residue is clinically significant, and that variants that disrupt this residue are likely to be disease-causing. In summary, the currently available evidence indicates that the variant is pathogenic, but additional data are needed to prove that conclusively. Therefore, this variant has been classified as Likely Pathogenic.

NM_005267.5(GJA8):c.176C>G (p.Pro59Arg)

Gene: GJA8 (gap junction protein alpha 8; plus strand). Cytogenetic location: 1q21.2.
Variant type: single nucleotide variant.
Coding change: c.176C>G on transcript NM_005267.5 (MANE Select); coding-DNA position 176, C replaced by G.
Protein change: p.Pro59Arg; replaces proline 59 with arginine.
Molecular consequence: missense variant.
Genome position (GRCh38, 1-based): chr1:147,908,131, C>G. VCF-style: chr1-147908131-C-G. GRCh37 (hg19) VCF-style: chr1-147380258-C-G.
Other names: short protein forms P59R.
Identifiers: ClinVar variation 3633609 (VCV003633609.2).
Genomic context (GRCh38, chr1:147,908,131, plus strand): 5'-CGGCCGCAGAGTTCGTGTGGGGGGATGAGCAATCCGACTTCGTGTGCAACACCCAGCAGC[C>G]TGGCTGCGAGAACGTCTGCTACGACGAGGCCTTTCCCATCTCCCACATTCGCCTCTGGGT-3'
Protein context (NP_005258.2, residues 49-69): QSDFVCNTQQ[Pro59Arg]GCENVCYDEA